The following is an entry in ClinVar:

ClinVar aggregate classification (germline): Likely pathogenic. Review status: criteria provided, multiple submitters, no conflicts (2 of 4 stars). 2 submissions from 2 submitters: Likely pathogenic (2). Last evaluated 2024-01-18.

Submissions (2):

GeneDx
Classification: Likely pathogenic. Last evaluated: 2024-01-18. Review status: criteria provided, single submitter. Criteria: GeneDx Variant Classification Process June 2021. Collection method: clinical testing. Allele origin: germline. Affected: yes.
Comment: Frameshift variant predicted to result in abnormal protein length as the last 106 amino acids are replaced with 22 different amino acids, and other similar variants have been reported in HGMD; Not observed at significant frequency in large population cohorts (gnomAD); This variant is associated with the following publications: (PMID: 31163360)

Eurofins Ntd Llc (ga)
Classification: Likely pathogenic. Last evaluated: 2017-12-20. Review status: criteria provided, single submitter. Criteria: EGL Classification Definitions 2015. Collection method: clinical testing. Allele origin: germline. Observed: 3 variant alleles, 1 heterozygote, 2 homozygotes.

NM_001146079.2(CLDN14):c.401del (p.Val134fs)

Genes: CLDN14 (claudin 14; minus strand), CLDN14-AS1 (CLDN14 antisense RNA 1; plus strand). Cytogenetic location: 21q22.13.
Variant type: Deletion.
Coding change: c.401del on transcript NM_001146079.2 (MANE Select); coding-DNA position 401, one base deleted (T; older notation c.401delT).
Protein change: p.Val134fs; shifts the reading frame from valine 134.
Molecular consequence: frameshift variant.
Genome position (GRCh38, 1-based): chr21:36,461,295, A deleted on the plus strand (T on the coding strand, the reverse complement: CLDN14 is on the minus strand). VCF-style (leftmost placement, unchanged base first): chr21-36461294-CA-C. GRCh37 (hg19) VCF-style: chr21-37833592-CA-C.
Other names: c.401del, p.Val134fs (NM_001146077.2, NM_001146078.3, NM_012130.4 and 1 more transcripts); c.401del (NM_144492.2); short protein forms V134fs.
Identifiers: ClinVar variation 497748 (VCV000497748.6), dbSNP rs1555841710, ClinGen allele CA658799424.